The following is an entry in ClinVar:

NM_177438.3(DICER1):c.2370_2373dup (p.Leu792fs)

Gene: DICER1 (dicer 1, ribonuclease III; minus strand). Cytogenetic location: 14q32.13.
Variant type: Duplication.
Coding change: c.2370_2373dup on transcript NM_177438.3 (MANE Select); coding-DNA positions 2370 to 2373, 4 bases duplicated (GAAG; older notation c.2370_2373dupGAAG).
Protein change: p.Leu792fs; shifts the reading frame from leucine 792.
Molecular consequence: frameshift variant.
Genome position (GRCh38, 1-based): chr14:95,108,387-95,108,390, CTTC duplicated on the plus strand (GAAG on the coding strand, the reverse complement: DICER1 is on the minus strand); duplicating any 4 consecutive bases within chr14:95,108,387-95,108,391 gives the same sequence; the c. name uses the placement nearest the transcript's 3' end. VCF-style (leftmost placement, unchanged base first): chr14-95108386-G-GCTTC. GRCh37 (hg19) VCF-style: chr14-95574723-G-GCTTC.
Other names: c.2370_2373dupGAAG (NM_177438.2); c.2370_2373dup, p.Leu792fs (NM_001195573.1, NM_001271282.3, NM_001291628.2 and 1 more transcripts); short protein forms L792fs.
Identifiers: ClinVar variation 543649 (VCV000543649.9), dbSNP rs1555370915, ClinGen allele CA658798255.
Genomic context (GRCh38, chr14:95,108,386, plus strand): 5'-GAGGTATGGGTTTGGCCGTCAGTATTCCAAAGCATCTTGTGGTATCTTCAGGAGGATAGA[G>GCTTC]CTTCCGCCTTCTAAAGTTGAGTTCATCAGGTAAAGGTGTAGTTAAAACCATTCCTATCAC-3'

ClinVar aggregate classification (germline): Pathogenic/Likely pathogenic. Review status: criteria provided, multiple submitters, no conflicts (2 of 4 stars). 2 submissions from 2 submitters: Pathogenic (1); Likely pathogenic (1). Last evaluated 2021-03-12.

Conditions:
DICER1-related disorder. Also called: DICER1-related condition.
DICER1-related tumor predisposition. Also called: DICER1 syndrome; DICER1-related pleuropulmonary blastoma cancer predisposition syndrome. Identifiers: Orphanet 284343, MedGen C3839822, MONDO:0100216.

Submissions (2):

Blueprint Genetics
Classification: Likely pathogenic for DICER1-related disorders. Last evaluated: 2021-03-12. Review status: criteria provided, single submitter. Criteria: ACMG Guidelines, 2015. Collection method: clinical testing. Allele origin: germline. Affected: yes. Observed: 1 variant allele.

Labcorp Genetics (formerly Invitae), Labcorp
Classification: Pathogenic for DICER1-related tumor predisposition. Last evaluated: 2017-09-17. Review status: criteria provided, single submitter. Criteria: Invitae Variant Classification Sherloc (09022015). Collection method: clinical testing. Allele origin: germline.
Comment: Loss-of-function variants in DICER1 are known to be pathogenic (PMID: 19556464, 21266384). This variant has not been reported in the literature in individuals with DICER1-related disease. For these reasons, this variant has been classified as Pathogenic. This sequence change creates a premature translational stop signal (p.Leu792Glufs*6) in the DICER1 gene. It is expected to result in an absent or disrupted protein product. This variant is not present in population databases (ExAC no frequency).

Literature cited by the submitters: PubMed 19556464 (cited by Labcorp Genetics (formerly Invitae), Labcorp); PubMed 21266384 (cited by Labcorp Genetics (formerly Invitae), Labcorp).